The following is an entry in ClinVar:

ClinVar aggregate classification (germline): Uncertain significance. Review status: criteria provided, multiple submitters, no conflicts (2 of 4 stars). 2 submissions from 2 submitters: Uncertain significance (2). Last evaluated 2020-12-28.

Allele frequency attached by ClinVar (database versions not stated): gnomAD exomes below 0.00001.
gnomAD v4.1: 1 of 1,609,630 alleles (0.000062%); highest among the groups gnomAD compares: Middle Eastern, 0.017%; no homozygotes.

Submissions (2):

Labcorp Genetics (formerly Invitae), Labcorp
Classification: Uncertain significance. Last evaluated: 2020-12-28. Review status: criteria provided, single submitter. Criteria: Invitae Variant Classification Sherloc (09022015). Collection method: clinical testing. Allele origin: germline.
Comment: In summary, the available evidence is currently insufficient to determine the role of this variant in disease. Therefore, it has been classified as a Variant of Uncertain Significance. Algorithms developed to predict the effect of sequence changes on RNA splicing suggest that this variant may create or strengthen a splice site, but this prediction has not been confirmed by published transcriptional studies. Algorithms developed to predict the effect of missense changes on protein structure and function (SIFT, PolyPhen-2, Align-GVGD) all suggest that this variant is likely to be tolerated, but these predictions have not been confirmed by published functional studies and their clinical significance is uncertain. This variant has not been reported in the literature in individuals with WFS1-related conditions. This variant is not present in population databases (ExAC no frequency). This sequence change replaces aspartic acid with glycine at codon 211 of the WFS1 protein (p.Asp211Gly). The aspartic acid residue is moderately conserved and there is a moderate physicochemical difference between aspartic acid and glycine.

Blueprint Genetics
Classification: Uncertain significance. Last evaluated: 2020-11-16. Review status: criteria provided, single submitter. Criteria: ACMG Guidelines, 2015. Collection method: clinical testing. Allele origin: germline.

NM_006005.3(WFS1):c.632A>G (p.Asp211Gly)

Gene: WFS1 (wolframin ER transmembrane glycoprotein; plus strand). Cytogenetic location: 4p16.1.
Variant type: single nucleotide variant.
Coding change: c.632A>G on transcript NM_006005.3 (MANE Select); coding-DNA position 632, A replaced by G.
Protein change: p.Asp211Gly; replaces aspartic acid 211 with glycine.
Molecular consequence: missense variant.
Genome position (GRCh38, 1-based): chr4:6,291,917, A>G. VCF-style: chr4-6291917-A-G. GRCh37 (hg19) VCF-style: chr4-6293644-A-G.
Other names: c.632A>G, p.Asp211Gly (NM_001145853.1); short protein forms D211G.
Identifiers: ClinVar variation 1498369 (VCV001498369.9), dbSNP rs2109117123, ClinGen allele CA356172199.